The following is an entry in ClinVar:

ClinVar aggregate classification (germline): Uncertain significance. Review status: criteria provided, multiple submitters, no conflicts (2 of 4 stars). 2 submissions from 2 submitters: Uncertain significance (2). Last evaluated 2022-08-19.

Allele frequency attached by ClinVar (database versions not stated): ESP Exome Variant Server 0.00022; gnomAD exomes 0.00003; gnomAD 0.00006; TOPMed 0.00008.
gnomAD v4.1: 119 of 1,551,004 alleles (0.0077%); highest among the groups gnomAD compares: Non-Finnish European, 0.0097%; 1 homozygote.

Submissions (2):

Labcorp Genetics (formerly Invitae), Labcorp
Classification: Uncertain significance. Last evaluated: 2022-08-19. Review status: criteria provided, single submitter. Criteria: Invitae Variant Classification Sherloc (09022015). Collection method: clinical testing. Allele origin: germline.
Comment: This sequence change replaces arginine, which is basic and polar, with cysteine, which is neutral and slightly polar, at codon 1001 of the UNC80 protein (p.Arg1001Cys). This variant is present in population databases (rs374099180, gnomAD 0.007%). This variant has not been reported in the literature in individuals affected with UNC80-related conditions. ClinVar contains an entry for this variant (Variation ID: 1410105). Algorithms developed to predict the effect of missense changes on protein structure and function are either unavailable or do not agree on the potential impact of this missense change (SIFT: "Not Available"; PolyPhen-2: "Probably Damaging"; Align-GVGD: "Not Available"). In summary, the available evidence is currently insufficient to determine the role of this variant in disease. Therefore, it has been classified as a Variant of Uncertain Significance.

Breakthrough Genomics
Classification: Uncertain significance. Review status: criteria provided, single submitter. Criteria: ACMG Guidelines, 2015. Collection method: not provided. Allele origin: germline. Inheritance: Autosomal recessive inheritance. Affected: yes.

NM_001371986.1(UNC80):c.3001C>T (p.Arg1001Cys)

Gene: UNC80 (unc-80 homolog, NALCN channel complex subunit; plus strand). Cytogenetic location: 2q34.
Variant type: single nucleotide variant.
Coding change: c.3001C>T on transcript NM_001371986.1 (MANE Select); coding-DNA position 3001, C replaced by T.
Protein change: p.Arg1001Cys; replaces arginine 1001 with cysteine.
Molecular consequence: missense variant.
Genome position (GRCh38, 1-based): chr2:209,834,970, C>T. VCF-style: chr2-209834970-C-T. GRCh37 (hg19) VCF-style: chr2-210699694-C-T.
Other names: c.3001C>T, p.Arg1001Cys (NM_032504.2); c.2986C>T, p.Arg996Cys (NM_182587.4); short protein forms R1001C, R996C.
Identifiers: ClinVar variation 1410105 (VCV001410105.6), dbSNP rs374099180, ClinGen allele CA64681360.
Genomic context (GRCh38, chr2:209,834,970, plus strand): 5'-AGGTCAGAGGCGGGAAGCATTGTGGATAAAGGCCAGGTATCCTCTGCACCTGAGGAATGT[C>T]GCAGCTTCATGTCTGGTCGCCCCTCACAGACTCCAGAGCAGTAAGTAGCGTTGGTTTTGT-3'
Protein context (NP_001358915.1, residues 991-1011): GQVSSAPEEC[Arg1001Cys]SFMSGRPSQT